The following is an entry in ClinVar:

ClinVar aggregate classification (germline): Uncertain significance (1 of 4 stars; one submission).

Conditions:
POMC-related disorder. Also called: POMC-related disorders; POMC-related condition.

Submission:

PreventionGenetics, part of Exact Sciences
Classification: Uncertain significance for POMC-related condition. Last evaluated: 2025-04-10. Review status: criteria provided, single submitter. Criteria: ACMG Guidelines, 2015. Collection method: clinical testing. Allele origin: germline.
Comment: The POMC c.589G>T variant is predicted to result in the amino acid substitution p.Asp197Tyr. To our knowledge, this variant has not been reported in the literature or in a large population database (gnomAD), indicating this variant is rare. At this time, the clinical significance of this variant is uncertain due to the absence of conclusive functional and genetic evidence.

NM_000939.4(POMC):c.589G>T (p.Asp197Tyr)

Gene: POMC (proopiomelanocortin; minus strand). Cytogenetic location: 2p23.3.
Variant type: single nucleotide variant.
Coding change: c.589G>T on transcript NM_000939.4 (MANE Select); coding-DNA position 589, G replaced by T.
Protein change: p.Asp197Tyr; replaces aspartic acid 197 with tyrosine.
Molecular consequence: missense variant.
Genome position (GRCh38, 1-based): chr2:25,161,296, C>A on the plus strand (G>T on the coding strand, the complement: POMC is on the minus strand). VCF-style: chr2-25161296-C-A. GRCh37 (hg19) VCF-style: chr2-25384165-C-A.
Other names: c.589G>T, p.Asp197Tyr (NM_001035256.3, NM_001319204.2, NM_001319205.2); short protein forms D197Y.
Identifiers: ClinVar variation 5002361 (VCV005002361.1).